The following is an entry in ClinVar:

ClinVar aggregate classification (germline): Likely pathogenic (1 of 4 stars; one submission).

Submission:

Labcorp Genetics (formerly Invitae), Labcorp
Classification: Likely pathogenic. Last evaluated: 2022-11-11. Review status: criteria provided, single submitter. Criteria: Invitae Variant Classification Sherloc (09022015). Collection method: clinical testing. Allele origin: germline.
Comment: This sequence change replaces glycine, which is neutral and non-polar, with arginine, which is basic and polar, at codon 1661 of the COL7A1 protein (p.Gly1661Arg). This variant is not present in population databases (gnomAD no frequency). This missense change has been observed in individual(s) with autosomal recessive dystrophic epidermolysis bullosa (Invitae). Algorithms developed to predict the effect of missense changes on protein structure and function are either unavailable or do not agree on the potential impact of this missense change (SIFT: "Deleterious"; PolyPhen-2: "Not Available"; Align-GVGD: "Class C15"). Algorithms developed to predict the effect of sequence changes on RNA splicing suggest that this variant may disrupt the consensus splice site. This variant disrupts the triple helix domain of COL7A1. Glycine residues within the Gly-Xaa-Yaa repeats of the triple helix domain are required for the structure and stability of fibrillar collagens (PMID: 7695699, 8218237, 19344236), and variants at these glycine residues in COL7A1 are more frequently observed in individuals with disease than in the general population (PMID: 22058051). However, the clinical significance of this observation remains uncertain since only a limited number of affected individuals have been described to date. In summary, the currently available evidence indicates that the variant is pathogenic, but additional data are needed to prove that conclusively. Therefore, this variant has been classified as Likely Pathogenic.

Literature cited by the submitters: PubMed 7695699; PubMed 8218237; PubMed 19344236; PubMed 22058051.

NM_000094.4(COL7A1):c.4981G>A (p.Gly1661Arg)

Gene: COL7A1 (collagen type VII alpha 1 chain; minus strand). Cytogenetic location: 3p21.31.
Variant type: single nucleotide variant.
Coding change: c.4981G>A on transcript NM_000094.4 (MANE Select); coding-DNA position 4981, G replaced by A.
Protein change: p.Gly1661Arg; replaces glycine 1661 with arginine.
Molecular consequence: missense variant.
Genome position (GRCh38, 1-based): chr3:48,580,652, C>T on the plus strand (G>A on the coding strand, the complement: COL7A1 is on the minus strand). VCF-style: chr3-48580652-C-T. GRCh37 (hg19) VCF-style: chr3-48618085-C-T.
Other names: short protein forms G1661R.
Identifiers: ClinVar variation 2805808 (VCV002805808.3), dbSNP rs2531088120, ClinGen allele CA352680206.